The following is an entry in ClinVar:

NM_000355.4(TCN2):c.547G>A (p.Val183Met)

Gene: TCN2 (transcobalamin 2; plus strand). Cytogenetic location: 22q12.2.
Variant type: single nucleotide variant.
Coding change: c.547G>A on transcript NM_000355.4 (MANE Select); coding-DNA position 547, G replaced by A.
Protein change: p.Val183Met; replaces valine 183 with methionine.
Molecular consequence: missense variant.
Genome position (GRCh38, 1-based): chr22:30,614,468, G>A. VCF-style: chr22-30614468-G-A. GRCh37 (hg19) VCF-style: chr22-31010455-G-A.
Other names: c.466G>A, p.Val156Met (NM_001184726.2); short protein forms V156M, V183M.
Identifiers: ClinVar variation 794851 (VCV000794851.15), dbSNP rs201925682, ClinGen allele CA10184697.

ClinVar aggregate classification (germline): Conflicting classifications of pathogenicity. Review status: criteria provided, conflicting classifications (1 of 4 stars). 4 submissions from 4 submitters: Uncertain significance (1); Benign (1); Likely benign (2). Last evaluated 2026-01-25.

Conditions:
Inborn genetic diseases. Identifiers: MedGen C0950123, MeSH D030342.
TCN2-related disorder. Also called: TCN2-related condition.
Transcobalamin II deficiency (TCN2D). Also called: TC II DEFICIENCY; TCN2 DEFICIENCY; Transcolabamin II deficiency. Identifiers: Orphanet 859, MedGen C0342701, MONDO:0010149, OMIM 275350.

Allele frequency attached by ClinVar (database versions not stated): gnomAD exomes 0.00006 and 0.00049; gnomAD 0.00011 and 0.00013; 1000 Genomes Project 30x 0.00016; TOPMed 0.00018; 1000 Genomes Project 0.00020; ExAC 0.00053.
gnomAD v4.1: 110 of 1,614,168 alleles (0.0068%); highest among the groups gnomAD compares: East Asian, 0.22%; no homozygotes.

Submissions (4):

Labcorp Genetics (formerly Invitae), Labcorp
Classification: Benign for Transcobalamin II deficiency. Last evaluated: 2026-01-25. Review status: criteria provided, single submitter. Criteria: Invitae Variant Classification Sherloc (09022015). Collection method: clinical testing. Allele origin: germline.

Ambry Genetics
Classification: Uncertain significance for Inborn genetic diseases. Last evaluated: 2025-06-10. Review status: criteria provided, single submitter. Criteria: Ambry Variant Classification Scheme 2023. Collection method: clinical testing. Allele origin: germline.

PreventionGenetics, part of Exact Sciences
Classification: Likely benign for TCN2-related condition. Last evaluated: 2024-11-19. Review status: criteria provided, single submitter. Criteria: ACMG Guidelines, 2015. Collection method: clinical testing. Allele origin: germline.
Comment: This variant is classified as likely benign based on ACMG/AMP sequence variant interpretation guidelines (Richards et al. 2015 PMID: 25741868, with internal and published modifications).

Illumina Laboratory Services, Illumina
Classification: Likely benign for Transcobalamin II deficiency. Last evaluated: 2018-01-12. Review status: criteria provided, single submitter. Criteria: ICSL Variant Classification Criteria 13 December 2019. Collection method: clinical testing. Allele origin: germline.
Comment: This variant was observed in the ICSL laboratory as part of a predisposition screen in an ostensibly healthy population. It had not been previously curated by ICSL or reported in the Human Gene Mutation Database (HGMD: prior to June 1st, 2018), and was therefore a candidate for classification through an automated scoring system. Utilizing variant allele frequency, disease prevalence and penetrance estimates, and inheritance mode, an automated score was calculated to assess if this variant is too frequent to cause the disease. Based on the score and internal cut-off values, a variant classified as likely benign is not then subjected to further curation. The score for this variant resulted in a classification of likely benign for this disease.